The following is an entry in ClinVar:

NM_018972.4(GDAP1):c.*1819T>C

Gene: GDAP1 (ganglioside induced differentiation associated protein 1; plus strand). Cytogenetic location: 8q21.11.
Variant type: single nucleotide variant.
Coding change: c.*1819T>C on transcript NM_018972.4 (MANE Select); 1819 bases downstream of the stop codon, T replaced by C.
Molecular consequence: 3 prime UTR variant. On other transcripts: intron variant (1).
Genome position (GRCh38, 1-based): chr8:74,366,186, T>C. VCF-style: chr8-74366186-T-C. GRCh37 (hg19) VCF-style: chr8-75278421-T-C.
Other names: c.*1819T>C (NM_001040875.4, NM_001362929.2, NM_001362930.2 and 1 more transcripts); c.694+3133T>C (NM_001362931.2).
Identifiers: ClinVar variation 912173 (VCV000912173.5), dbSNP rs141157275, ClinGen allele CA4785340.

ClinVar aggregate classification (germline): Likely benign. Review status: criteria provided, multiple submitters, no conflicts (2 of 4 stars). 3 submissions from 2 submitters: Likely benign (3). Last evaluated 2022-04-05.

Conditions:
Charcot-Marie-Tooth disease, axonal, with vocal cord paresis, autosomal recessive. Also called: CHARCOT-MARIE-TOOTH DISEASE, TYPE 4A, AXONAL FORM; CHARCOT-MARIE-TOOTH NEUROPATHY, AXONAL, WITH VOCAL CORD PARESIS, AUTOSOMAL RECESSIVE; CMT2 WITH VOCAL CORD PARESIS, AUTOSOMAL RECESSIVE. Identifiers: Orphanet 101097, MedGen C1843183, MONDO:0011898, OMIM 607706.
Charcot-Marie-Tooth disease recessive intermediate A (CMTRIA). Also called: CHARCOT-MARIE-TOOTH NEUROPATHY, RECESSIVE INTERMEDIATE A. Identifiers: Orphanet 217055, MedGen C1842197, MONDO:0012014, OMIM 608340.

Allele frequency attached by ClinVar (database versions not stated): gnomAD exomes 0.00060 and 0.00122; ExAC 0.00098; gnomAD 0.00427 and 0.00466; 1000 Genomes Project 30x 0.00500; 1000 Genomes Project 0.00519; TOPMed 0.00523.
gnomAD v4.1: 850 of 454,130 alleles (0.19%); highest among the groups gnomAD compares: African/African-American, 1.3%; 8 homozygotes.

Submissions (3):

GeneDx
Classification: Likely benign. Last evaluated: 2022-04-05. Review status: criteria provided, single submitter. Criteria: GeneDx Variant Classification Process June 2021. Collection method: clinical testing. Allele origin: germline. Affected: yes.

Illumina Laboratory Services, Illumina
Classification: Likely benign for Charcot-Marie-Tooth disease, axonal, with vocal cord paresis, autosomal recessive. Last evaluated: 2018-01-13. Review status: criteria provided, single submitter. Criteria: ICSL Variant Classification Criteria 13 December 2019. Collection method: clinical testing. Allele origin: germline.
Comment: This variant was observed in the ICSL laboratory as part of a predisposition screen in an ostensibly healthy population. It had not been previously curated by ICSL or reported in the Human Gene Mutation Database (HGMD: prior to June 1st, 2018), and was therefore a candidate for classification through an automated scoring system. Utilizing variant allele frequency, disease prevalence and penetrance estimates, and inheritance mode, an automated score was calculated to assess if this variant is too frequent to cause the disease. Based on the score and internal cut-off values, a variant classified as likely benign is not then subjected to further curation. The score for this variant resulted in a classification of likely benign for this disease.

Illumina Laboratory Services, Illumina
Classification: Likely benign for Charcot-Marie-Tooth disease recessive intermediate A. Last evaluated: 2018-01-13. Review status: criteria provided, single submitter. Criteria: ICSL Variant Classification Criteria 13 December 2019. Collection method: clinical testing. Allele origin: germline.
Comment: the same text as in the submission from Illumina Laboratory Services, Illumina above.